The following is an entry in ClinVar:

ClinVar aggregate classification (germline): Uncertain significance (1 of 4 stars; one submission).

Conditions:
Microcephaly, normal intelligence and immunodeficiency (NBS). Also called: BERLIN BREAKAGE SYNDROME; Immunodeficiency, microcephaly with normal intelligence; Nijmegen breakage syndrome; Microcephaly with normal intelligence immunodeficiency and lymphoreticular malignancies; Nonsyndromal microcephaly autosomal recessive with normal intelligence; Seemanova syndrome 2. Identifiers: Orphanet 647, MedGen C0398791, MONDO:0009623, OMIM 251260.

Submission:

Labcorp Genetics (formerly Invitae), Labcorp
Classification: Uncertain significance for Microcephaly, normal intelligence and immunodeficiency. Last evaluated: 2020-11-15. Review status: criteria provided, single submitter. Criteria: Invitae Variant Classification Sherloc (09022015). Collection method: clinical testing. Allele origin: germline.
Comment: In summary, the available evidence is currently insufficient to determine the role of this variant in disease. Therefore, it has been classified as a Variant of Uncertain Significance. Algorithms developed to predict the effect of missense changes on protein structure and function are either unavailable or do not agree on the potential impact of this missense change (SIFT: "Deleterious"; PolyPhen-2: "Probably Damaging"; Align-GVGD: "Class C0"). This variant has not been reported in the literature in individuals with NBN-related conditions. This variant is not present in population databases (ExAC no frequency). This sequence change replaces proline with serine at codon 191 of the NBN protein (p.Pro191Ser). The proline residue is highly conserved and there is a moderate physicochemical difference between proline and serine.

NM_002485.5(NBN):c.571C>T (p.Pro191Ser)

Gene: NBN (nibrin; minus strand). Cytogenetic location: 8q21.3.
Variant type: single nucleotide variant.
Coding change: c.571C>T on transcript NM_002485.5 (MANE Select); coding-DNA position 571, C replaced by T.
Protein change: p.Pro191Ser; replaces proline 191 with serine.
Molecular consequence: missense variant.
Genome position (GRCh38, 1-based): chr8:89,978,233, G>A on the plus strand (C>T on the coding strand, the complement: NBN is on the minus strand). VCF-style: chr8-89978233-G-A. GRCh37 (hg19) VCF-style: chr8-90990461-G-A.
Other names: c.325C>T, p.Pro109Ser (NM_001024688.3); short protein forms P109S, P191S.
Identifiers: ClinVar variation 1464827 (VCV001464827.8), dbSNP rs2129888034, ClinGen allele CA371660119.